The following is an entry in ClinVar:

ClinVar aggregate classification (germline): Uncertain significance (1 of 4 stars; one submission).

Submission:

Labcorp Genetics (formerly Invitae), Labcorp
Classification: Uncertain significance. Last evaluated: 2021-10-11. Review status: criteria provided, single submitter. Criteria: Invitae Variant Classification Sherloc (09022015). Collection method: clinical testing. Allele origin: germline.
Comment: In summary, the available evidence is currently insufficient to determine the role of this variant in disease. Therefore, it has been classified as a Variant of Uncertain Significance. Algorithms developed to predict the effect of missense changes on protein structure and function output the following: SIFT: "Tolerated"; PolyPhen-2: "Benign"; Align-GVGD: "Class C0". The leucine amino acid residue is found in multiple mammalian species, which suggests that this missense change does not adversely affect protein function. This variant has not been reported in the literature in individuals affected with FGF23-related conditions. This variant is not present in population databases (ExAC no frequency). This sequence change replaces methionine with leucine at codon 19 of the FGF23 protein (p.Met19Leu). The methionine residue is weakly conserved and there is a small physicochemical difference between methionine and leucine.

NM_020638.3(FGF23):c.55A>C (p.Met19Leu)

Gene: FGF23 (fibroblast growth factor 23; minus strand). Cytogenetic location: 12p13.32.
Variant type: single nucleotide variant.
Coding change: c.55A>C on transcript NM_020638.3 (MANE Select); coding-DNA position 55, A replaced by C.
Protein change: p.Met19Leu; replaces methionine 19 with leucine.
Molecular consequence: missense variant.
Genome position (GRCh38, 1-based): chr12:4,379,528, T>G on the plus strand (A>C on the coding strand, the complement: FGF23 is on the minus strand). VCF-style: chr12-4379528-T-G. GRCh37 (hg19) VCF-style: chr12-4488694-T-G.
Other names: short protein forms M19L.
Identifiers: ClinVar variation 1464072 (VCV001464072.6), dbSNP rs2120747434, ClinGen allele CA383418493.